The following is an entry in ClinVar:

ClinVar aggregate classification (germline): Likely pathogenic (1 of 4 stars; one submission).

Conditions:
Peroxisome biogenesis disorder 12A (Zellweger). Also called: Peroxisome biogenesis disorder 12A. Identifiers: Orphanet 912, MedGen C3554002, MONDO:0013951, OMIM 614886.

Submission:

Labcorp Genetics (formerly Invitae), Labcorp
Classification: Likely pathogenic for Peroxisome biogenesis disorder 12A (Zellweger). Last evaluated: 2024-03-20. Review status: criteria provided, single submitter. Criteria: Invitae Variant Classification Sherloc (09022015). Collection method: clinical testing. Allele origin: germline.
Comment: This sequence change affects a donor splice site in intron 5 of the PEX19 gene. It is expected to disrupt RNA splicing. Variants that disrupt the donor or acceptor splice site typically lead to a loss of protein function (PMID: 16199547), and loss-of-function variants in PEX19 are known to be pathogenic (PMID: 10051604, 20683989, 21031596). This variant is not present in population databases (gnomAD no frequency). This variant has not been reported in the literature in individuals affected with PEX19-related conditions. Algorithms developed to predict the effect of sequence changes on RNA splicing suggest that this variant may disrupt the consensus splice site. In summary, the currently available evidence indicates that the variant is pathogenic, but additional data are needed to prove that conclusively. Therefore, this variant has been classified as Likely Pathogenic.

Literature cited by the submitters: PubMed 16199547; PubMed 10051604; PubMed 20683989; PubMed 21031596.

NM_002857.4(PEX19):c.594+1G>C

Gene: PEX19 (peroxisomal biogenesis factor 19; minus strand). Cytogenetic location: 1q23.2.
Variant type: single nucleotide variant.
Coding change: c.594+1G>C on transcript NM_002857.4 (MANE Select); the canonical splice donor site of the intron after coding-DNA position 594, G replaced by C.
Molecular consequence: splice donor variant.
Genome position (GRCh38, 1-based): chr1:160,282,038, C>G on the plus strand (G>C on the coding strand, the complement: PEX19 is on the minus strand). VCF-style: chr1-160282038-C-G. GRCh37 (hg19) VCF-style: chr1-160251828-C-G.
Other names: c.594+1G>C (NM_001193644.1).
Identifiers: ClinVar variation 2806573 (VCV002806573.3), dbSNP rs2525310842, ClinGen allele CA343259663.